The following is an entry in ClinVar:

NM_001999.4(FBN2):c.4099+3A>G

Gene: FBN2 (fibrillin 2; minus strand). Cytogenetic location: 5q23.3.
Variant type: single nucleotide variant.
Coding change: c.4099+3A>G on transcript NM_001999.4 (MANE Select); 3 bases into the intron after coding-DNA position 4099, A replaced by G.
Molecular consequence: intron variant.
Genome position (GRCh38, 1-based): chr5:128,334,716, T>C on the plus strand (A>G on the coding strand, the complement: FBN2 is on the minus strand). VCF-style: chr5-128334716-T-C. GRCh37 (hg19) VCF-style: chr5-127670408-T-C.
Identifiers: ClinVar variation 4751582 (VCV004751582.2).

ClinVar aggregate classification (germline): Conflicting classifications of pathogenicity. Review status: criteria provided, conflicting classifications (1 of 4 stars). 2 submissions from 2 submitters: Uncertain significance (1); Likely benign (1). Last evaluated 2025-06-18.

Conditions:
Congenital contractural arachnodactyly (CCA). Also called: Beals-Hecht syndrome; BEALS SYNDROME; Arthrogryposis, distal, type 9. Identifiers: Orphanet 115, MedGen C0220668, MONDO:0007363, OMIM 121050.

gnomAD v4.1: 44 of 1,614,138 alleles (0.0027%); highest among the groups gnomAD compares: South Asian, 0.046%; no homozygotes.

Submissions (2):

Labcorp Genetics (formerly Invitae), Labcorp
Classification: Uncertain significance for Congenital contractural arachnodactyly. Last evaluated: 2025-06-18. Review status: criteria provided, single submitter. Criteria: Invitae Variant Classification Sherloc (09022015). Collection method: clinical testing. Allele origin: germline.
Comment: This sequence change falls in intron 31 of the FBN2 gene. It does not directly change the encoded amino acid sequence of the FBN2 protein. It affects a nucleotide within the consensus splice site. This variant is present in population databases (rs548770779, gnomAD 0.06%), and has an allele count higher than expected for a pathogenic variant. This variant has not been reported in the literature in individuals affected with FBN2-related conditions. Variants that disrupt the consensus splice site are a relatively common cause of aberrant splicing (PMID: 17576681, 9536098). Algorithms developed to predict the effect of sequence changes on RNA splicing suggest that this variant is not likely to affect RNA splicing. In summary, the available evidence is currently insufficient to determine the role of this variant in disease. Therefore, it has been classified as a Variant of Uncertain Significance.

Blueprint Genetics
Classification: Likely benign. Last evaluated: 2023-08-17. Review status: criteria provided, single submitter. Criteria: ACMG Guidelines, 2015. Collection method: clinical testing. Allele origin: germline.

Literature cited by the submitters: PubMed 17576681 (cited by Labcorp Genetics (formerly Invitae), Labcorp); PubMed 9536098 (cited by Labcorp Genetics (formerly Invitae), Labcorp).